The following is an entry in ClinVar:

ClinVar aggregate classification (germline): Uncertain significance (0 of 4 stars; one submission).

Conditions:
NPHP4-related disorder. Also called: NPHP4-related condition; NPHP4-related disorders. Identifiers: MedGen CN239384.

gnomAD v4.1: 1 of 1,555,408 alleles (0.000064%); no homozygotes.

Submission:

PreventionGenetics, part of Exact Sciences
Classification: Uncertain significance for NPHP4-related condition. Last evaluated: 2023-12-12. Review status: no assertion criteria provided. Collection method: clinical testing. Allele origin: germline.
Comment: The NPHP4 c.3215A>C variant is predicted to result in the amino acid substitution p.Gln1072Pro. To our knowledge, this variant has not been reported in the literature or in a large population database, indicating this variant is rare. At this time, the clinical significance of this variant is uncertain due to the absence of conclusive functional and genetic evidence.

NM_015102.5(NPHP4):c.3215A>C (p.Gln1072Pro)

Gene: NPHP4 (nephrocystin 4; minus strand). Cytogenetic location: 1p36.31.
Variant type: single nucleotide variant.
Coding change: c.3215A>C on transcript NM_015102.5 (MANE Select); coding-DNA position 3215, A replaced by C.
Protein change: p.Gln1072Pro; replaces glutamine 1072 with proline.
Molecular consequence: missense variant. On other transcripts: non-coding transcript variant (1).
Genome position (GRCh38, 1-based): chr1:5,874,487, T>G on the plus strand (A>C on the coding strand, the complement: NPHP4 is on the minus strand). VCF-style: chr1-5874487-T-G. GRCh37 (hg19) VCF-style: chr1-5934547-T-G.
Other names: c.1676A>C, p.Gln559Pro (NM_001291593.2); c.1679A>C, p.Gln560Pro (NM_001291594.2); short protein forms Q1072P, Q559P, Q560P.
Identifiers: ClinVar variation 3030217 (VCV003030217.2), dbSNP rs2523113660, ClinGen allele CA338055471.